The following is an entry in ClinVar:

ClinVar aggregate classification (germline): Conflicting classifications of pathogenicity. Review status: criteria provided, conflicting classifications (1 of 4 stars). 4 submissions from 4 submitters: Uncertain significance (1); Benign (1); Likely benign (1). 1 of the submissions does not count toward it. Last evaluated 2025-10-01.

Conditions:
KMT2D-related disorder. Also called: KMT2D-Related Disorders.
Kabuki syndrome. Also called: NIIKAWA-KUROKI SYNDROME; Kabuki make-up syndrome. Identifiers: Orphanet 2322, MedGen C0796004, MONDO:0016512.

Allele frequency attached by ClinVar (database versions not stated): gnomAD 0.00001; gnomAD exomes 0.00001; TOPMed 0.00001.
gnomAD v4.1: 9 of 1,611,306 alleles (0.00056%); highest among the groups gnomAD compares: Admixed American, 0.0017%; no homozygotes.

Submissions (4):

Labcorp Genetics (formerly Invitae), Labcorp
Classification: Benign for Kabuki syndrome. Last evaluated: 2025-10-01. Review status: criteria provided, single submitter. Criteria: Invitae Variant Classification Sherloc (09022015). Collection method: clinical testing. Allele origin: germline.

Blueprint Genetics
Classification: Likely benign. Last evaluated: 2022-08-09. Review status: criteria provided, single submitter. Criteria: ACMG Guidelines, 2015. Collection method: clinical testing. Allele origin: germline.

ARUP Laboratories, Molecular Genetics and Genomics, ARUP Laboratories
Classification: Uncertain significance. Review status: criteria provided, single submitter. Criteria: ARUP Molecular Germline Variant Investigation Process 2024. Collection method: clinical testing. Allele origin: germline.

PreventionGenetics, part of Exact Sciences
Classification: Uncertain significance for KMT2D-related condition. Last evaluated: 2024-09-24. Review status: no assertion criteria provided. Collection method: clinical testing. Allele origin: germline. Not counted in ClinVar's aggregate classification.
Comment: The KMT2D c.12679A>G variant is predicted to result in the amino acid substitution p.Met4227Val. To our knowledge, this variant has not been reported in the literature. This variant is reported in 0.0016% of alleles in individuals of European (Non-Finnish) descent in gnomAD. At this time, the clinical significance of this variant is uncertain due to the absence of conclusive functional and genetic evidence.

NM_003482.4(KMT2D):c.12679A>G (p.Met4227Val)

Gene: KMT2D (lysine methyltransferase 2D; minus strand). Cytogenetic location: 12q13.12.
Variant type: single nucleotide variant.
Coding change: c.12679A>G on transcript NM_003482.4 (MANE Select); coding-DNA position 12679, A replaced by G.
Protein change: p.Met4227Val; replaces methionine 4227 with valine.
Molecular consequence: missense variant.
Genome position (GRCh38, 1-based): chr12:49,032,026, T>C on the plus strand (A>G on the coding strand, the complement: KMT2D is on the minus strand). VCF-style: chr12-49032026-T-C. GRCh37 (hg19) VCF-style: chr12-49425809-T-C.
Other names: short protein forms M4227V.
Identifiers: ClinVar variation 1915346 (VCV001915346.8), dbSNP rs907760287, ClinGen allele CA236639249.